The following is an entry in ClinVar:

ClinVar aggregate classification (germline): Uncertain significance. Review status: criteria provided, multiple submitters, no conflicts (2 of 4 stars). 3 submissions from 3 submitters: Uncertain significance (2). 1 of the submissions does not count toward it. Last evaluated 2025-09-29.

Conditions:
Idiopathic generalized epilepsy. Also called: Generalised epilepsy; EIG. Identifiers: MedGen C0270850, MONDO:0005579, OMIM 600669.
Hyperaldosteronism, familial, type IV (HALD4). Also called: FH IV; ALDOSTERONISM, PRIMARY, AND HYPERTENSION. Identifiers: Orphanet 642671, MedGen C4310756, MONDO:0014875, OMIM 617027.
CACNA1H-related disorder.
Epilepsy, childhood absence, susceptibility to, 6. Identifiers: Orphanet 64280, MedGen C2749872, MONDO:0012763, OMIM 611942.

Allele frequency attached by ClinVar (database versions not stated): gnomAD exomes 0.00002 and 0.00005; ExAC 0.00005; TOPMed 0.00005.
gnomAD v4.1: 36 of 1,613,416 alleles (0.0022%); highest among the groups gnomAD compares: Admixed American, 0.017%; no homozygotes.

Submissions (3):

Labcorp Genetics (formerly Invitae), Labcorp
Classification: Uncertain significance for Idiopathic generalized epilepsy; Hyperaldosteronism, familial, type IV. Last evaluated: 2025-09-29. Review status: criteria provided, single submitter. Criteria: Invitae Variant Classification Sherloc (09022015). Collection method: clinical testing. Allele origin: germline.
Comment: This sequence change replaces valine, which is neutral and non-polar, with isoleucine, which is neutral and non-polar, at codon 1553 of the CACNA1H protein (p.Val1553Ile). This variant is present in population databases (rs759669950, gnomAD 0.02%). This variant has not been reported in the literature in individuals affected with CACNA1H-related conditions. ClinVar contains an entry for this variant (Variation ID: 644166). Invitae Evidence Modeling of protein sequence and biophysical properties (such as structural, functional, and spatial information, amino acid conservation, physicochemical variation, residue mobility, and thermodynamic stability) indicates that this missense variant is expected to disrupt CACNA1H protein function with a positive predictive value of 80%. In summary, the available evidence is currently insufficient to determine the role of this variant in disease. Therefore, it has been classified as a Variant of Uncertain Significance.

Fulgent Genetics
Classification: Uncertain significance for Epilepsy, childhood absence, susceptibility to, 6; Hyperaldosteronism, familial, type IV. Last evaluated: 2024-03-25. Review status: criteria provided, single submitter. Criteria: ACMG Guidelines, 2015. Collection method: clinical testing. Allele origin: germline.

PreventionGenetics, part of Exact Sciences
Classification: Uncertain significance for CACNA1H-related condition. Last evaluated: 2024-01-11. Review status: no assertion criteria provided. Collection method: clinical testing. Allele origin: germline. Not counted in ClinVar's aggregate classification.
Comment: The CACNA1H c.4657G>A variant is predicted to result in the amino acid substitution p.Val1553Ile. To our knowledge, this variant has not been reported in the literature. This variant is reported in 0.023% of alleles in individuals of Latino descent in gnomAD. At this time, the clinical significance of this variant is uncertain due to the absence of conclusive functional and genetic evidence.

NM_021098.3(CACNA1H):c.4657G>A (p.Val1553Ile)

Gene: CACNA1H (calcium voltage-gated channel subunit alpha1 H; plus strand). Cytogenetic location: 16p13.3.
Variant type: single nucleotide variant.
Coding change: c.4657G>A on transcript NM_021098.3 (MANE Select); coding-DNA position 4657, G replaced by A.
Protein change: p.Val1553Ile; replaces valine 1553 with isoleucine.
Molecular consequence: missense variant.
Genome position (GRCh38, 1-based): chr16:1,212,036, G>A. VCF-style: chr16-1212036-G-A. GRCh37 (hg19) VCF-style: chr16-1262036-G-A.
Other names: c.4657G>A, p.Val1553Ile (NM_001005407.2); short protein forms V1553I.
Identifiers: ClinVar variation 644166 (VCV000644166.12), dbSNP rs759669950, ClinGen allele CA7801476.